The following is an entry in ClinVar:

ClinVar aggregate classification (germline): Likely benign (0 of 4 stars; one submission).

Conditions:
SLITRK5-related disorder. Also called: SLITRK5-related condition.

Allele frequency attached by ClinVar (database versions not stated): gnomAD exomes below 0.00001.
gnomAD v4.1: 2 of 1,614,166 alleles (0.00012%); highest among the groups gnomAD compares: Admixed American, 0.0017%; no homozygotes.

Submission:

PreventionGenetics, part of Exact Sciences
Classification: Likely benign for SLITRK5-related condition. Last evaluated: 2019-06-11. Review status: no assertion criteria provided. Collection method: clinical testing. Allele origin: germline.
Comment: This variant is classified as likely benign based on ACMG/AMP sequence variant interpretation guidelines (Richards et al. 2015 PMID: 25741868, with internal and published modifications).

NM_001384609.1(SLITRK5):c.1866G>C (p.Thr622=)

Gene: SLITRK5 (SLIT and NTRK like family member 5; plus strand). Cytogenetic location: 13q31.2.
Variant type: single nucleotide variant.
Coding change: c.1866G>C on transcript NM_001384609.1 (MANE Select); coding-DNA position 1866, G replaced by C.
Protein change: p.Thr622=; no amino-acid change (threonine 622 retained).
Molecular consequence: synonymous variant.
Genome position (GRCh38, 1-based): chr13:87,677,254, G>C. VCF-style: chr13-87677254-G-C. GRCh37 (hg19) VCF-style: chr13-88329509-G-C.
Other names: c.1866G>C, p.Thr622= (NM_001384610.1, NM_015567.2).
Identifiers: ClinVar variation 3034022 (VCV003034022.2), dbSNP rs775241600, ClinGen allele CA484320083.